The following is an entry in ClinVar:

ClinVar aggregate classification (germline): Uncertain significance. Review status: criteria provided, multiple submitters, no conflicts (2 of 4 stars). 5 submissions from 5 submitters: Uncertain significance (5). Last evaluated 2026-01-18.

Conditions:
Cardiovascular phenotype. Identifiers: MedGen CN230736.
Dilated cardiomyopathy 1W (CMD1W). Identifiers: Orphanet 154, MedGen C1969639, MONDO:0012667, OMIM 611407.
Hypertrophic cardiomyopathy 15. Identifiers: MedGen C2750459, MONDO:0013200, OMIM 613255.

Allele frequency attached by ClinVar (database versions not stated): gnomAD below 0.00001 and 0.00001; gnomAD exomes 0.00002 and 0.00004; ExAC 0.00004.
gnomAD v4.1: 27 of 1,613,966 alleles (0.0017%); highest among the groups gnomAD compares: South Asian, 0.021%; no homozygotes.

Submissions (5):

Labcorp Genetics (formerly Invitae), Labcorp
Classification: Uncertain significance for Dilated cardiomyopathy 1W. Last evaluated: 2026-01-18. Review status: criteria provided, single submitter. Criteria: Invitae Variant Classification Sherloc (09022015). Collection method: clinical testing. Allele origin: germline.
Comment: This sequence change replaces serine, which is neutral and polar, with leucine, which is neutral and non-polar, at codon 677 of the VCL protein (p.Ser677Leu). This variant is present in population databases (rs770869561, gnomAD 0.01%). This variant has not been reported in the literature in individuals affected with VCL-related conditions. ClinVar contains an entry for this variant (Variation ID: 837767). An algorithm developed to predict the effect of missense changes on protein structure and function (PolyPhen-2) suggests that this variant is likely to be disruptive. In summary, the available evidence is currently insufficient to determine the role of this variant in disease. Therefore, it has been classified as a Variant of Uncertain Significance.

Ambry Genetics
Classification: Uncertain significance for Cardiovascular phenotype. Last evaluated: 2025-08-20. Review status: criteria provided, single submitter. Criteria: Ambry Variant Classification Scheme 2023. Collection method: clinical testing. Allele origin: germline.
Comment: The p.S677L variant (also known as c.2030C>T), located in coding exon 15 of the VCL gene, results from a C to T substitution at nucleotide position 2030. The serine at codon 677 is replaced by leucine, an amino acid with dissimilar properties. This amino acid position is conserved. In addition, this alteration is predicted to be tolerated by in silico analysis. Based on the available evidence, the clinical significance of this variant remains unclear.

Institute of Human Genetics, Clinical Exome/Genome Diagnostics Group, University Hospital Bonn
Classification: Uncertain significance for Hypertrophic cardiomyopathy 15. Last evaluated: 2022-07-12. Review status: criteria provided, single submitter. Criteria: ACMG Guidelines, 2015. Collection method: clinical testing. Allele origin: germline. Affected: yes.

Revvity Omics, Revvity
Classification: Uncertain significance. Last evaluated: 2022-02-04. Review status: criteria provided, single submitter. Criteria: ACMG Guidelines, 2015. Collection method: clinical testing. Allele origin: germline.

Johns Hopkins Genomics, Johns Hopkins University
Classification: Uncertain significance for Hypertrophic cardiomyopathy 15. Last evaluated: 2021-10-19. Review status: criteria provided, single submitter. Criteria: ACMG Guidelines, 2015. Collection method: clinical testing. Allele origin: germline.
Comment: This VCL variant (rs770869561) is rare (<0.1%) in a large population dataset (gnomAD: 9/251488 total alleles, 0.004%, no homozygotes) and has an entry in ClinVar. Of three bioinformatics tools queried, two predict that this substitution would be damaging, while one predicts that it would be tolerated. The serine residue at this position is strongly conserved across the vertebrate species assessed, but leucine is substituted at this position in tenrecs. This variant is not predicted to affect normal exon 15 splicing, although this has not been confirmed experimentally to our knowledge. Due to insufficient evidence, we consider the clinical significance of c.2030C>T to be uncertain at this time.

Literature cited by the submitters: PubMed 11815424 (cited by Johns Hopkins Genomics, Johns Hopkins University); PubMed 16236538 (cited by Johns Hopkins Genomics, Johns Hopkins University).

NM_014000.3(VCL):c.2030C>T (p.Ser677Leu)

Gene: VCL (vinculin; plus strand). Cytogenetic location: 10q22.2.
Variant type: single nucleotide variant.
Coding change: c.2030C>T on transcript NM_014000.3 (MANE Select); coding-DNA position 2030, C replaced by T.
Protein change: p.Ser677Leu; replaces serine 677 with leucine.
Molecular consequence: missense variant.
Genome position (GRCh38, 1-based): chr10:74,103,827, C>T. VCF-style: chr10-74103827-C-T. GRCh37 (hg19) VCF-style: chr10-75863585-C-T.
Other names: c.2030C>T, p.Ser677Leu (NM_003373.4); short protein forms S677L.
Identifiers: ClinVar variation 837767 (VCV000837767.16), dbSNP rs770869561, ClinGen allele CA5563156.